The following is an entry in ClinVar:

NC_000016.9:g.(?_9002178)_(9024274_?)dup

Gene: USP7 (ubiquitin specific peptidase 7; minus strand). Cytogenetic location: 16p13.2.
Variant type: Duplication.
Identifiers: ClinVar variation 2424681 (VCV002424681.4).

ClinVar aggregate classification (germline): Likely pathogenic (1 of 4 stars; one submission).

Submission:

Labcorp Genetics (formerly Invitae), Labcorp
Classification: Likely pathogenic. Last evaluated: 2022-09-12. Review status: criteria provided, single submitter. Criteria: Invitae Variant Classification Sherloc (09022015). Collection method: clinical testing. Allele origin: germline.
Comment: In summary, the currently available evidence indicates that the variant is pathogenic, but additional data are needed to prove that conclusively. Therefore, this variant has been classified as Likely Pathogenic. This variant has not been reported in the literature in individuals affected with USP7-related conditions. This variant results in a copy number gain of the genomic region encompassing exon(s) 2-12 of the USP7 gene. While the exact position of this variant cannot be determined from the data, sub-genic copy number gains are generally in tandem (PMID: 25640679). This variant is predicted to be out-of-frame, and may result in an absent or disrupted protein product. Loss-of-function variants in USP7 are known to be pathogenic (PMID: 26365382).

Literature cited by the submitters: PubMed 25640679; PubMed 26365382.